The following is an entry in ClinVar:

ClinVar aggregate classification (germline): Uncertain significance. Review status: criteria provided, multiple submitters, no conflicts (2 of 4 stars). 2 submissions from 2 submitters: Uncertain significance (2). Last evaluated 2025-09-27.

Conditions:
Inborn genetic diseases. Identifiers: MedGen C0950123, MeSH D030342.

gnomAD v4.1: 56 of 1,614,050 alleles (0.0035%); highest among the groups gnomAD compares: Middle Eastern, 0.033%; no homozygotes.

Submissions (2):

Ambry Genetics
Classification: Uncertain significance for Inborn genetic diseases. Last evaluated: 2025-09-27. Review status: criteria provided, single submitter. Criteria: Ambry Variant Classification Scheme 2023. Collection method: clinical testing. Allele origin: germline.

Labcorp Genetics (formerly Invitae), Labcorp
Classification: Uncertain significance. Last evaluated: 2022-07-05. Review status: criteria provided, single submitter. Criteria: Invitae Variant Classification Sherloc (09022015). Collection method: clinical testing. Allele origin: germline.
Comment: This sequence change replaces arginine, which is basic and polar, with glutamine, which is neutral and polar, at codon 154 of the C9 protein (p.Arg154Gln). This variant is present in population databases (rs368001255, gnomAD 0.02%). This variant has not been reported in the literature in individuals affected with C9-related conditions. ClinVar contains an entry for this variant (Variation ID: 1518320). Algorithms developed to predict the effect of missense changes on protein structure and function output the following: SIFT: "Not Available"; PolyPhen-2: "Probably Damaging"; Align-GVGD: "Not Available". The glutamine amino acid residue is found in multiple mammalian species, which suggests that this missense change does not adversely affect protein function. In summary, the available evidence is currently insufficient to determine the role of this variant in disease. Therefore, it has been classified as a Variant of Uncertain Significance.

NM_001737.5(C9):c.461G>A (p.Arg154Gln)

Gene: C9 (complement C9; minus strand). Cytogenetic location: 5p13.1.
Variant type: single nucleotide variant.
Coding change: c.461G>A on transcript NM_001737.5 (MANE Select); coding-DNA position 461, G replaced by A.
Protein change: p.Arg154Gln; replaces arginine 154 with glutamine.
Molecular consequence: missense variant.
Genome position (GRCh38, 1-based): chr5:39,341,161, C>T on the plus strand (G>A on the coding strand, the complement: C9 is on the minus strand). VCF-style: chr5-39341161-C-T. GRCh37 (hg19) VCF-style: chr5-39341263-C-T.
Other names: c.461G>A (NM_001737.3); short protein forms R154Q.
Identifiers: ClinVar variation 1518320 (VCV001518320.5), dbSNP rs368001255, ClinGen allele CA3247007.